The following is an entry in ClinVar:

ClinVar aggregate classification (germline): Pathogenic. Review status: criteria provided, single submitter (1 of 4 stars). 2 submissions from 1 submitter: Pathogenic (2). Last evaluated 2022-10-07.

Conditions:
Ehlers-Danlos syndrome, classic type, 1 (EDSCL1). Also called: EHLERS-DANLOS SYNDROME, GRAVIS TYPE; EHLERS-DANLOS SYNDROME, SEVERE CLASSIC TYPE; Ehlers-Danlos syndrome, type 1; EDS I; Ehlers-Danlos Syndrome, Classic Type, COL5A1-Related. Identifiers: MedGen C0268335, MONDO:0019567, OMIM 130000.
Ehlers-Danlos syndrome, type 4 (EDSVASC). Also called: Ehlers-Danlos syndrome vascular type; Ehlers Danlos syndrome, ecchymotic type; Ehlers Danlos syndrome, arterial type; Ehlers Danlos syndrome, Sack-Barabas type; Ehlers-Danlos Syndrome Type IV. Identifiers: Orphanet 286, MedGen C0268338, MONDO:0017314, OMIM 130050.

Submissions (2):

Labcorp Genetics (formerly Invitae), Labcorp
Classification: Pathogenic for Ehlers-Danlos syndrome, type 4. Last evaluated: 2022-10-07. Review status: criteria provided, single submitter. Criteria: Invitae Variant Classification Sherloc (09022015). Collection method: clinical testing. Allele origin: germline.
Comment: A gross deletion of the genomic region encompassing the full coding sequence of the COL3A1 gene has been identified. Loss-of-function variants in COL3A1 are known to be pathogenic (PMID: 24922459). The boundaries of this event are unknown as they extend beyond the assayed region for this gene and therefore may encompass additional genes. Isolated whole-gene deletions of COL3A1 have not been reported in the literature. However, larger copy number events that include this gene have been reported (PMID: 20648054). For these reasons, this variant has been classified as Pathogenic.

Labcorp Genetics (formerly Invitae), Labcorp
Classification: Pathogenic for Ehlers-Danlos syndrome, classic type, 1. Last evaluated: 2022-10-07. Review status: criteria provided, single submitter. Criteria: Invitae Variant Classification Sherloc (09022015). Collection method: clinical testing. Allele origin: germline.
Comment: A gross deletion of the genomic region encompassing the full coding sequence of the COL5A2 gene has been identified. Loss-of-function variants in COL5A2 are known to be pathogenic (PMID: 23587214). The boundaries of this event are unknown as they extend beyond the assayed region for this gene and therefore may encompass additional genes. Isolated whole-gene deletions of COL5A2 have not been reported in the literature. However, larger copy number events that include this gene have been reported (PMID: 20648054). For these reasons, this variant has been classified as Pathogenic.

Literature cited by the submitters: PubMed 24922459; PubMed 20648054; PubMed 23587214.

NC_000002.11:g.(?_189839216)_(190044330_?)del

Genes: COL3A1 (collagen type III alpha 1 chain; plus strand), COL5A2 (collagen type V alpha 2 chain; minus strand). Cytogenetic location: 2q32.2.
Variant type: Deletion.
Identifiers: ClinVar variation 2422340 (VCV002422340.6).